The following is an entry in ClinVar:

ClinVar aggregate classification (germline): Benign/Likely benign. Review status: criteria provided, multiple submitters, no conflicts (2 of 4 stars). 10 submissions from 10 submitters: Benign (3); Likely benign (4). 3 of the submissions do not count toward it. Last evaluated 2026-01-14.

Conditions:
Familial thoracic aortic aneurysm and aortic dissection (TAAD). Also called: Thoracic aortic aneurysms and dissections. Identifiers: Orphanet 91387, MedGen C4707243, MONDO:0019625.
Marfan syndrome (MFS). Also called: Marfan syndrome type 1; Marfan's syndrome; MARFAN SYNDROME, TYPE I; Marfan syndrome, classic; FBN1-Related Marfan Syndrome. Identifiers: Orphanet 284963, Orphanet 558, MedGen C0024796, MONDO:0007947, OMIM 154700.
FBN1-related disorder. Also called: FBN1-related disorders.

Allele frequency attached by ClinVar (database versions not stated): gnomAD exomes 0.00022; 1000 Genomes Project 0.00160; gnomAD 0.00094 and 0.00092; TOPMed 0.00129; ExAC 0.00028; 1000 Genomes Project 30x 0.00172; ESP Exome Variant Server 0.00069.
gnomAD v4.1: 285 of 1,613,910 alleles (0.018%); highest among the groups gnomAD compares: African/African-American, 0.34%; 2 homozygotes.

Submissions (10):

Labcorp Genetics (formerly Invitae), Labcorp
Classification: Benign for Marfan syndrome; Familial thoracic aortic aneurysm and aortic dissection. Last evaluated: 2026-01-14. Review status: criteria provided, single submitter. Criteria: Invitae Variant Classification Sherloc (09022015). Collection method: clinical testing. Allele origin: germline.

Blueprint Genetics
Classification: Likely benign. Last evaluated: 2024-10-22. Review status: criteria provided, single submitter. Criteria: ACMG Guidelines, 2015. Collection method: clinical testing. Allele origin: germline.

All of Us Research Program, National Institutes of Health
Classification: Benign for Marfan syndrome. Last evaluated: 2024-02-05. Review status: criteria provided, single submitter. Criteria: ACMG Guidelines, 2015. Collection method: clinical testing. Allele origin: germline. Inheritance: Autosomal dominant inheritance. Observed: 57 variant alleles, 57 heterozygotes.
Comment: This study involves interpretation of variants in research participants for the purpose of population health screening. Participant phenotype was not available at the time of variant classification. Additional details can be found in publication PMID: 35346344, PMCID: PMC8962531

GeneDx
Classification: Likely benign. Last evaluated: 2020-09-11. Review status: criteria provided, single submitter. Criteria: GeneDx Variant Classification Process June 2021. Collection method: clinical testing. Allele origin: germline. Affected: yes.

Ambry Genetics
Classification: Likely benign for Familial thoracic aortic aneurysm and aortic dissection. Last evaluated: 2018-06-11. Review status: criteria provided, single submitter. Criteria: Ambry Variant Classification Scheme 2023. Collection method: clinical testing. Allele origin: germline.

Color Diagnostics, LLC DBA Color Health
Classification: Benign for Familial thoracic aortic aneurysm and aortic dissection. Last evaluated: 2018-05-11. Review status: criteria provided, single submitter. Criteria: ACMG Guidelines, 2015. Collection method: clinical testing. Allele origin: germline.

Eurofins Ntd Llc (ga)
Classification: Likely benign. Last evaluated: 2015-10-27. Review status: criteria provided, single submitter. Criteria: EGL Classification Definitions 2015. Collection method: clinical testing. Allele origin: germline. Observed: 1 variant allele, 1 heterozygote.

PreventionGenetics, part of Exact Sciences
Classification: Benign for FBN1-related condition. Last evaluated: 2020-06-11. Review status: no assertion criteria provided. Collection method: clinical testing. Allele origin: germline. Not counted in ClinVar's aggregate classification.
Comment: This variant is classified as benign based on ACMG/AMP sequence variant interpretation guidelines (Richards et al. 2015 PMID: 25741868, with internal and published modifications).

Genome Diagnostics Laboratory, Amsterdam University Medical Center
Classification: Likely benign. Review status: no assertion criteria provided. Collection method: clinical testing. Allele origin: germline. Affected: yes. Study: VKGL Data-share Consensus. Not counted in ClinVar's aggregate classification.

Joint Genome Diagnostic Labs from Nijmegen and Maastricht, Radboudumc and MUMC+
Classification: Likely benign. Review status: no assertion criteria provided. Collection method: clinical testing. Allele origin: germline. Affected: yes. Study: VKGL Data-share Consensus. Not counted in ClinVar's aggregate classification.

NM_000138.5(FBN1):c.6837G>A (p.Gly2279=)

Gene: FBN1 (fibrillin 1; minus strand). Cytogenetic location: 15q21.1.
Variant type: single nucleotide variant.
Coding change: c.6837G>A on transcript NM_000138.5 (MANE Select); coding-DNA position 6837, G replaced by A.
Protein change: p.Gly2279=; no amino-acid change (glycine 2279 retained).
Molecular consequence: synonymous variant.
Genome position (GRCh38, 1-based): chr15:48,430,705, C>T on the plus strand (G>A on the coding strand, the complement: FBN1 is on the minus strand). VCF-style: chr15-48430705-C-T. GRCh37 (hg19) VCF-style: chr15-48722902-C-T.
Identifiers: ClinVar variation 284076 (VCV000284076.27), dbSNP rs140584234, ClinGen allele CA057470.